The following is an entry in ClinVar:

ClinVar aggregate classification (germline): Uncertain significance (1 of 4 stars; one submission).

gnomAD v4.1: 6 of 1,614,130 alleles (0.00037%); highest among the groups gnomAD compares: East Asian, 0.0089%; no homozygotes.

Submission:

GeneDx
Classification: Uncertain significance. Last evaluated: 2024-02-08. Review status: criteria provided, single submitter. Criteria: GeneDx Variant Classification Process June 2021. Collection method: clinical testing. Allele origin: germline. Affected: yes.
Comment: Has not been previously published as pathogenic or benign to our knowledge; Missense variants in this gene are a common cause of disease and they are underrepresented in the general population; In silico analysis supports that this missense variant has a deleterious effect on protein structure/function

NM_002524.5(NRAS):c.254A>G (p.Asn85Ser)

Gene: NRAS (NRAS proto-oncogene, GTPase; minus strand). Cytogenetic location: 1p13.2.
Variant type: single nucleotide variant.
Coding change: c.254A>G on transcript NM_002524.5 (MANE Select); coding-DNA position 254, A replaced by G.
Protein change: p.Asn85Ser; replaces asparagine 85 with serine.
Molecular consequence: missense variant.
Genome position (GRCh38, 1-based): chr1:114,713,836, T>C on the plus strand (A>G on the coding strand, the complement: NRAS is on the minus strand). VCF-style: chr1-114713836-T-C. GRCh37 (hg19) VCF-style: chr1-115256457-T-C.
Other names: short protein forms N85S.
Identifiers: ClinVar variation 3368895 (VCV003368895.1).